The following continues an entry in ClinVar:

NM_004360.5(CDH1):c.1501G>A (p.Val501Met)

Gene: CDH1. ClinVar aggregate classification (germline): Conflicting classifications of pathogenicity. Uncertain significance (14); Likely benign (1).

Submissions 11 to 16 of 16:

GeneDx
Classification: Uncertain significance. Last evaluated: 2022-07-28. Review status: criteria provided, single submitter. Criteria: GeneDx Variant Classification Process June 2021. Collection method: clinical testing. Allele origin: germline. Affected: yes.
Comment: Has not been previously published as a pathogenic or benign germline variant to our knowledge; In silico analysis supports that this missense variant does not alter protein structure/function; This variant is associated with the following publications: (PMID: 27904775, 15235021, 22850631, 32175104, 30287823)

Ambry Genetics
Classification: Likely benign for Hereditary cancer-predisposing syndrome. Last evaluated: 2021-11-18. Review status: criteria provided, single submitter. Criteria: Ambry Variant Classification Scheme 2023. Collection method: clinical testing. Allele origin: germline.

Sema4
Classification: Uncertain significance for Hereditary cancer-predisposing syndrome. Last evaluated: 2021-05-17. Review status: criteria provided, single submitter. Criteria: Sema4 Curation Guidelines. Collection method: curation. Allele origin: germline.
Comment: To the best of our knowledge, the CDH1 c.1501G>A (p.V501M) has not been reported in individuals with CDH1-related disease. It was observed in 4/24970 chromosomes in the African/African American subpopulation in the large and broad cohorts of the Genome Aggregation Database (PMID: 32461654). The variant has been reported in ClinVar (Variation ID: 142357). Functional studies have not been performed, and in silico predictions of the variant's effect on protein function are inconclusive. The evidence is insufficient to meet ACMG/AMP criteria for classifying the variant as benign or pathogenic. Thus, the clinical significance of this variant is currently uncertain.

Genetic Services Laboratory, University of Chicago
Classification: Uncertain significance. Last evaluated: 2019-11-12. Review status: criteria provided, single submitter. Criteria: ACMG Guidelines, 2015. Collection method: clinical testing. Allele origin: germline. Affected: no.

CeGaT Center for Human Genetics Tuebingen
Classification: Uncertain significance. Last evaluated: 2017-07-01. Review status: criteria provided, single submitter. Criteria: CeGaT Center For Human Genetics Tuebingen Variant Classification Criteria Version 2. Collection method: clinical testing. Allele origin: germline. Affected: yes. Observed: 1 variant allele.

Counsyl
Classification: Uncertain significance for Hereditary diffuse gastric adenocarcinoma. Last evaluated: 2017-02-22. Review status: no assertion criteria provided. Collection method: clinical testing. Allele origin: unknown. Not counted in ClinVar's aggregate classification.

Literature cited by the submitters: PubMed 34326862 (cited by 5 submitters); PubMed 36436516 (cited by 5 submitters); PubMed 30287823 (cited by 3 submitters); PubMed 27904775 (cited by Quest Diagnostics Nichols Institute San Juan Capistrano); PubMed 32980694 (cited by Quest Diagnostics Nichols Institute San Juan Capistrano); PubMed 27499925 (cited by Quest Diagnostics Nichols Institute San Juan Capistrano); PubMed 36243179 (cited by Quest Diagnostics Nichols Institute San Juan Capistrano); PubMed 32175104 (cited by Quest Diagnostics Nichols Institute San Juan Capistrano); PubMed 33471991 (cited by 3 submitters).